The following is an entry in ClinVar:

NM_004974.4(KCNA2):c.1159G>C (p.Gly387Arg)

Gene: KCNA2 (potassium voltage-gated channel subfamily A member 2; minus strand). Cytogenetic location: 1p13.3.
Variant type: single nucleotide variant.
Coding change: c.1159G>C on transcript NM_004974.4 (MANE Select); coding-DNA position 1159, G replaced by C.
Protein change: p.Gly387Arg; replaces glycine 387 with arginine.
Molecular consequence: missense variant. On other transcripts: intron variant (1).
Genome position (GRCh38, 1-based): chr1:110,603,624, C>G on the plus strand (G>C on the coding strand, the complement: KCNA2 is on the minus strand). VCF-style: chr1-110603624-C-G. GRCh37 (hg19) VCF-style: chr1-111146246-C-G.
Other names: c.894+265G>C (NM_001204269.2); short protein forms G387R.
Identifiers: ClinVar variation 3360239 (VCV003360239.1).
Genomic context (GRCh38, chr1:110,603,624, plus strand): 5'-GGACCGGTAAGGCAATAGTTAACACACCTGCAATCGCACATAGGGAACCCACTATCTTTC[C>G]CCCAATGGTAGTCGGAACCATGTCTCCATAGCCTACAGTTGTCATGGAGACGACTGCCCA-3'
Protein context (NP_004965.1, residues 377-397): YGDMVPTTIG[Gly387Arg]KIVGSLCAIA

ClinVar aggregate classification (germline): Uncertain significance (1 of 4 stars; one submission).

Submission:

GeneDx
Classification: Uncertain significance. Last evaluated: 2023-06-27. Review status: criteria provided, single submitter. Criteria: GeneDx Variant Classification Process June 2021. Collection method: clinical testing. Allele origin: germline. Affected: yes.
Comment: Not observed at significant frequency in large population cohorts (gnomAD); In silico analysis supports that this missense variant has a deleterious effect on protein structure/function; Has not been previously published as pathogenic or benign to our knowledge